The following is an entry in ClinVar:

NM_025179.4(PLXNA2):c.1168G>A (p.Asp390Asn)

Gene: PLXNA2 (plexin A2; minus strand). Cytogenetic location: 1q32.2.
Variant type: single nucleotide variant.
Coding change: c.1168G>A on transcript NM_025179.4 (MANE Select); coding-DNA position 1168, G replaced by A.
Protein change: p.Asp390Asn; replaces aspartic acid 390 with asparagine.
Molecular consequence: missense variant.
Genome position (GRCh38, 1-based): chr1:208,216,755, C>T on the plus strand (G>A on the coding strand, the complement: PLXNA2 is on the minus strand). VCF-style: chr1-208216755-C-T. GRCh37 (hg19) VCF-style: chr1-208390100-C-T.
Other names: short protein forms D390N.
Identifiers: ClinVar variation 2634172 (VCV002634172.3), dbSNP rs1490506066, ClinGen allele CA344557325.

ClinVar aggregate classification (germline): Uncertain significance (0 of 4 stars; one submission).

Conditions:
PLXNA2-related disorder. Also called: PLXNA2-related condition.

Allele frequency attached by ClinVar (database versions not stated): gnomAD exomes below 0.00001; TOPMed 0.00001.
gnomAD v4.1: 14 of 1,613,498 alleles (0.00087%); highest among the groups gnomAD compares: East Asian, 0.0045%; no homozygotes.

Submission:

PreventionGenetics, part of Exact Sciences
Classification: Uncertain significance for PLXNA2-related condition. Last evaluated: 2024-01-22. Review status: no assertion criteria provided. Collection method: clinical testing. Allele origin: germline.
Comment: The PLXNA2 c.1168G>A variant is predicted to result in the amino acid substitution p.Asp390Asn. To our knowledge, this variant has not been reported in the literature. This variant is reported in 0.0% of alleles in individuals of African descent in gnomAD. At this time, the clinical significance of this variant is uncertain due to the absence of conclusive functional and genetic evidence.